The following is an entry in ClinVar:

NM_004239.4(TRIP11):c.2276T>A (p.Leu759Gln)

Gene: TRIP11 (thyroid hormone receptor interactor 11; minus strand). Cytogenetic location: 14q32.12.
Variant type: single nucleotide variant.
Coding change: c.2276T>A on transcript NM_004239.4 (MANE Select); coding-DNA position 2276, T replaced by A.
Protein change: p.Leu759Gln; replaces leucine 759 with glutamine.
Molecular consequence: missense variant.
Genome position (GRCh38, 1-based): chr14:92,005,700, A>T on the plus strand (T>A on the coding strand, the complement: TRIP11 is on the minus strand). VCF-style: chr14-92005700-A-T. GRCh37 (hg19) VCF-style: chr14-92472044-A-T.
Other names: c.2273T>A, p.Leu758Gln (NM_001321851.1); short protein forms L758Q, L759Q.
Identifiers: ClinVar variation 1506507 (VCV001506507.3), dbSNP rs146746460, ClinGen allele CA7313806.

ClinVar aggregate classification (germline): Uncertain significance (1 of 4 stars; one submission).

Conditions:
Achondrogenesis, type IA (ACG1A). Identifiers: Orphanet 932, Orphanet 93299, MedGen C0265273, MONDO:0008701, OMIM 200600.

Allele frequency attached by ClinVar (database versions not stated): gnomAD 0.00001; TOPMed 0.00001; ESP Exome Variant Server 0.00008.
gnomAD v4.1: 31 of 1,613,804 alleles (0.0019%); highest among the groups gnomAD compares: Non-Finnish European, 0.0025%; no homozygotes.

Submission:

Labcorp Genetics (formerly Invitae), Labcorp
Classification: Uncertain significance for Achondrogenesis, type IA. Last evaluated: 2022-10-17. Review status: criteria provided, single submitter. Criteria: Invitae Variant Classification Sherloc (09022015). Collection method: clinical testing. Allele origin: germline.
Comment: This sequence change replaces leucine with glutamine at codon 759 of the TRIP11 protein (p.Leu759Gln). The leucine residue is moderately conserved and there is a moderate physicochemical difference between leucine and glutamine. This variant is present in population databases (rs146746460, gnomAD 0.002%). This variant has not been reported in the literature in individuals affected with TRIP11-related conditions. ClinVar contains an entry for this variant (Variation ID: 1506507). Advanced modeling of protein sequence and biophysical properties (such as structural, functional, and spatial information, amino acid conservation, physicochemical variation, residue mobility, and thermodynamic stability) performed at Invitae indicates that this missense variant is not expected to disrupt TRIP11 protein function. In summary, the available evidence is currently insufficient to determine the role of this variant in disease. Therefore, it has been classified as a Variant of Uncertain Significance.